The following is an entry in ClinVar:

NM_001375405.1(CEP120):c.1846T>C (p.Ser616Pro)

Gene: CEP120 (centrosomal protein 120; minus strand). Cytogenetic location: 5q23.2.
Variant type: single nucleotide variant.
Coding change: c.1846T>C on transcript NM_001375405.1 (MANE Select); coding-DNA position 1846, T replaced by C.
Protein change: p.Ser616Pro; replaces serine 616 with proline.
Molecular consequence: missense variant. On other transcripts: non-coding transcript variant (1).
Genome position (GRCh38, 1-based): chr5:123,383,000, A>G on the plus strand (T>C on the coding strand, the complement: CEP120 is on the minus strand). VCF-style: chr5-123383000-A-G. GRCh37 (hg19) VCF-style: chr5-122718694-A-G.
Other names: c.1768T>C, p.Ser590Pro (NM_001166226.2); c.1711T>C, p.Ser571Pro (NM_001375406.1); c.1846T>C, p.Ser616Pro (NM_001375407.1, NM_153223.4); c.1273T>C, p.Ser425Pro (NM_001375408.1, NM_001375409.1); c.1846T>C (NM_153223.3); short protein forms S425P, S571P, S590P, S616P.
Identifiers: ClinVar variation 1445653 (VCV001445653.7), dbSNP rs765938298, ClinGen allele CA3386852.

ClinVar aggregate classification (germline): Conflicting classifications of pathogenicity. Review status: criteria provided, conflicting classifications (1 of 4 stars). 2 submissions from 2 submitters: Uncertain significance (1); Likely benign (1). Last evaluated 2025-08-01.

Conditions:
Short-rib thoracic dysplasia 13 with or without polydactyly (SRTD13). Identifiers: Orphanet 474, MedGen C4225378, MONDO:0014577, OMIM 616300.
Inborn genetic diseases. Identifiers: MedGen C0950123, MeSH D030342.

Allele frequency attached by ClinVar (database versions not stated): gnomAD 0.00001; gnomAD exomes 0.00002 and 0.00005; ExAC 0.00005.

Submissions (2):

Ambry Genetics
Classification: Likely benign for Inborn genetic diseases. Last evaluated: 2025-08-01. Review status: criteria provided, single submitter. Criteria: Ambry Variant Classification Scheme 2023. Collection method: clinical testing. Allele origin: germline.

Labcorp Genetics (formerly Invitae), Labcorp
Classification: Uncertain significance for Short-rib thoracic dysplasia 13 with or without polydactyly. Last evaluated: 2024-02-24. Review status: criteria provided, single submitter. Criteria: Invitae Variant Classification Sherloc (09022015). Collection method: clinical testing. Allele origin: germline.
Comment: This sequence change replaces serine, which is neutral and polar, with proline, which is neutral and non-polar, at codon 616 of the CEP120 protein (p.Ser616Pro). This variant is present in population databases (rs765938298, gnomAD 0.04%). This variant has not been reported in the literature in individuals affected with CEP120-related conditions. ClinVar contains an entry for this variant (Variation ID: 1445653). Advanced modeling of protein sequence and biophysical properties (such as structural, functional, and spatial information, amino acid conservation, physicochemical variation, residue mobility, and thermodynamic stability) performed at Invitae indicates that this missense variant is not expected to disrupt CEP120 protein function with a negative predictive value of 80%. In summary, the available evidence is currently insufficient to determine the role of this variant in disease. Therefore, it has been classified as a Variant of Uncertain Significance.